The following is an entry in ClinVar:

NM_000540.3(RYR1):c.7774G>C (p.Gly2592Arg)

Gene: RYR1 (ryanodine receptor 1; plus strand). Cytogenetic location: 19q13.2.
Variant type: single nucleotide variant.
Coding change: c.7774G>C on transcript NM_000540.3 (MANE Select); coding-DNA position 7774, G replaced by C.
Protein change: p.Gly2592Arg; replaces glycine 2592 with arginine.
Molecular consequence: missense variant.
Genome position (GRCh38, 1-based): chr19:38,502,666, G>C. VCF-style: chr19-38502666-G-C. GRCh37 (hg19) VCF-style: chr19-38993306-G-C.
Other names: c.7774G>C, p.Gly2592Arg (NM_001042723.2); short protein forms G2592R.
Identifiers: ClinVar variation 2902758 (VCV002902758.4), dbSNP rs1476768502, ClinGen allele CA405672053.

ClinVar aggregate classification (germline): Uncertain significance. Review status: criteria provided, multiple submitters, no conflicts (2 of 4 stars). 2 submissions from 2 submitters: Uncertain significance (2). Last evaluated 2024-05-17.

Conditions:
RYR1-related disorder. Also called: RYR1-related condition; RYR1-related disorders. Identifiers: MedGen CN239331.
Malignant hyperthermia, susceptibility to, 1 (MHS1). Also called: Malignant hyperthermia suceptibility 1; Anesthesia related hyperthermia; Malignant hyperpyrexia; Fulminating hyperpyrexia; Pharmacogenic myopathy; RYR1-Related Malignant Hyperthermia Susceptibility. Identifiers: Orphanet 423, MedGen C2930980, MONDO:0007783, OMIM 145600.

Submissions (2):

All of Us Research Program, National Institutes of Health
Classification: Uncertain significance for Malignant hyperthermia, susceptibility to, 1. Last evaluated: 2024-05-17. Review status: criteria provided, single submitter. Criteria: ACMG Guidelines, 2015. Collection method: clinical testing. Allele origin: germline. Inheritance: Autosomal dominant inheritance. Observed: 1 variant allele, 1 heterozygote.
Comment: This study involves interpretation of variants in research participants for the purpose of population health screening. Participant phenotype was not available at the time of variant classification. Additional details can be found in publication PMID: 35346344, PMCID: PMC8962531

Labcorp Genetics (formerly Invitae), Labcorp
Classification: Uncertain significance for RYR1-related disorder. Last evaluated: 2023-03-16. Review status: criteria provided, single submitter. Criteria: Invitae Variant Classification Sherloc (09022015). Collection method: clinical testing. Allele origin: germline.
Comment: This sequence change replaces glycine, which is neutral and non-polar, with arginine, which is basic and polar, at codon 2592 of the RYR1 protein (p.Gly2592Arg). This variant is not present in population databases (gnomAD no frequency). This variant has not been reported in the literature in individuals affected with RYR1-related conditions. Advanced modeling of protein sequence and biophysical properties (such as structural, functional, and spatial information, amino acid conservation, physicochemical variation, residue mobility, and thermodynamic stability) performed at Invitae indicates that this missense variant is expected to disrupt RYR1 protein function. In summary, the available evidence is currently insufficient to determine the role of this variant in disease. Therefore, it has been classified as a Variant of Uncertain Significance.